The following is an entry in ClinVar:

NM_005751.5(AKAP9):c.7973G>A (p.Arg2658Lys)

Gene: AKAP9 (A-kinase anchoring protein 9; plus strand). Cytogenetic location: 7q21.2.
Variant type: single nucleotide variant.
Coding change: c.7973G>A on transcript NM_005751.5 (MANE Select); coding-DNA position 7973, G replaced by A.
Protein change: p.Arg2658Lys; replaces arginine 2658 with lysine.
Molecular consequence: missense variant.
Genome position (GRCh38, 1-based): chr7:92,080,106, G>A. VCF-style: chr7-92080106-G-A. GRCh37 (hg19) VCF-style: chr7-91709420-G-A.
Other names: c.2618G>A, p.Arg873Lys (NM_001379277.1); c.7949G>A, p.Arg2650Lys (NM_147185.3); short protein forms R873K, R2650K, R2658K.
Identifiers: ClinVar variation 1418999 (VCV001418999.6), dbSNP rs2130863054, ClinGen allele CA368136948.

ClinVar aggregate classification (germline): Uncertain significance (1 of 4 stars; one submission).

Conditions:
Long QT syndrome (LQTS). Identifiers: MedGen C0023976, MeSH D008133, MONDO:0002442. Disease mechanism: loss of function. Inheritance: Various modes of inheritance.

Submission:

Labcorp Genetics (formerly Invitae), Labcorp
Classification: Uncertain significance for Long QT syndrome. Last evaluated: 2021-10-13. Review status: criteria provided, single submitter. Criteria: Invitae Variant Classification Sherloc (09022015). Collection method: clinical testing. Allele origin: germline.
Comment: In summary, the available evidence is currently insufficient to determine the role of this variant in disease. Therefore, it has been classified as a Variant of Uncertain Significance. Algorithms developed to predict the effect of missense changes on protein structure and function output the following: SIFT: "Tolerated"; PolyPhen-2: "Benign"; Align-GVGD: "Class C0". The lysine amino acid residue is found in multiple mammalian species, which suggests that this missense change does not adversely affect protein function. This variant has not been reported in the literature in individuals affected with AKAP9-related conditions. This variant is not present in population databases (ExAC no frequency). This sequence change replaces arginine with lysine at codon 2658 of the AKAP9 protein (p.Arg2658Lys). The arginine residue is weakly conserved and there is a small physicochemical difference between arginine and lysine.